The following is an entry in ClinVar:

ClinVar aggregate classification (germline): Conflicting classifications of pathogenicity. Review status: criteria provided, conflicting classifications (1 of 4 stars). 7 submissions from 7 submitters: Uncertain significance (6); Likely benign (1). Last evaluated 2026-01-19.

Conditions:
AXIN2-related disorder.
Colorectal cancer. Also called: Colorectal cancer, somatic; Malignant Colorectal Neoplasm. Identifiers: MedGen C0346629, MONDO:0005575, OMIM 114500.
Hereditary cancer-predisposing syndrome. Also called: Neoplastic Syndromes, Hereditary; Hereditary neoplastic syndrome; Hereditary Cancer Syndrome; Tumor predisposition. Identifiers: Orphanet 140162, MedGen C0027672, MeSH D009386, MONDO:0015356.
Oligodontia-cancer predisposition syndrome. Also called: TOOTH AGENESIS-COLORECTAL CANCER SYNDROME. Identifiers: Orphanet 300576, MedGen C1837750, MONDO:0012075, OMIM 608615. Disease mechanism: loss of function.

Allele frequency attached by ClinVar (database versions not stated): ExAC 0.00001; gnomAD 0.00002 and 0.00003; gnomAD exomes 0.00002; TOPMed 0.00002.
gnomAD v4.1: 48 of 1,609,068 alleles (0.003%); highest among the groups gnomAD compares: Non-Finnish European, 0.0039%; no homozygotes.

Submissions (7):

PreventionGenetics, part of Exact Sciences
Classification: Uncertain significance for AXIN2-related condition. Last evaluated: 2026-01-19. Review status: criteria provided, single submitter. Criteria: ACMG Guidelines, 2015. Collection method: clinical testing. Allele origin: germline.
Comment: The AXIN2 c.1744A>C variant is predicted to result in the amino acid substitution p.Asn582His. To our knowledge, this variant has not been reported in the literature. This variant is reported in 0.0046% of alleles in individuals of European (Non-Finnish) descent in gnomAD. This variant has conflicting interpretations in ClinVar ranging from uncertain to likely benign (Variation ID: 239998). At this time, the clinical significance of this variant is uncertain due to the absence of conclusive functional and genetic evidence.

Quest Diagnostics Nichols Institute San Juan Capistrano
Classification: Uncertain significance. Last evaluated: 2025-10-02. Review status: criteria provided, single submitter. Criteria: Quest Diagnostics criteria. Collection method: clinical testing. Allele origin: unknown.
Comment: The AXIN2 c.1744A>C (p.Asn582His) variant has not been reported in individuals with AXIN2-related conditions in the published literature. The frequency of this variant in the general population (Genome Aggregation Database) is uninformative in the assessment of its pathogenicity. Analysis of this variant using bioinformatics tools for the prediction of the effect of amino acid changes on protein structure and function yielded predictions that this variant is benign. Based on the available information, we are unable to determine the clinical significance of this variant.

Center for Genomic Medicine, Rigshospitalet, Copenhagen University Hospital
Classification: Uncertain significance. Last evaluated: 2025-03-04. Review status: criteria provided, single submitter. Criteria: ACMG Guidelines, 2015. Collection method: clinical testing. Allele origin: germline.
Comment: Classification criteria: BP4_Moderate

Labcorp Genetics (formerly Invitae), Labcorp
Classification: Uncertain significance for Oligodontia-cancer predisposition syndrome. Last evaluated: 2024-10-29. Review status: criteria provided, single submitter. Criteria: Invitae Variant Classification Sherloc (09022015). Collection method: clinical testing. Allele origin: germline.
Comment: This sequence change replaces asparagine, which is neutral and polar, with histidine, which is basic and polar, at codon 582 of the AXIN2 protein (p.Asn582His). This variant is present in population databases (rs567511335, gnomAD 0.005%). This variant has not been reported in the literature in individuals affected with AXIN2-related conditions. ClinVar contains an entry for this variant (Variation ID: 239998). Invitae Evidence Modeling of protein sequence and biophysical properties (such as structural, functional, and spatial information, amino acid conservation, physicochemical variation, residue mobility, and thermodynamic stability) indicates that this missense variant is not expected to disrupt AXIN2 protein function with a negative predictive value of 80%. In summary, the available evidence is currently insufficient to determine the role of this variant in disease. Therefore, it has been classified as a Variant of Uncertain Significance.

Baylor Genetics
Classification: Uncertain significance for Colorectal cancer. Last evaluated: 2024-03-21. Review status: criteria provided, single submitter. Criteria: ACMG Guidelines, 2015. Collection method: clinical testing. Allele origin: unknown.

Ambry Genetics
Classification: Likely benign for Hereditary cancer-predisposing syndrome. Last evaluated: 2024-02-09. Review status: criteria provided, single submitter. Criteria: Ambry Variant Classification Scheme 2023. Collection method: clinical testing. Allele origin: germline.

Illumina Laboratory Services, Illumina
Classification: Uncertain significance for Oligodontia-cancer predisposition syndrome. Last evaluated: 2018-01-12. Review status: criteria provided, single submitter. Criteria: ICSL Variant Classification Criteria 13 December 2019. Collection method: clinical testing. Allele origin: germline.

NM_004655.4(AXIN2):c.1744A>C (p.Asn582His)

Gene: AXIN2 (axin 2; minus strand). Cytogenetic location: 17q24.1.
Variant type: single nucleotide variant.
Coding change: c.1744A>C on transcript NM_004655.4 (MANE Select); coding-DNA position 1744, A replaced by C.
Protein change: p.Asn582His; replaces asparagine 582 with histidine.
Molecular consequence: missense variant. On other transcripts: intron variant (1).
Genome position (GRCh38, 1-based): chr17:65,537,032, T>G on the plus strand (A>C on the coding strand, the complement: AXIN2 is on the minus strand). VCF-style: chr17-65537032-T-G. GRCh37 (hg19) VCF-style: chr17-63533150-T-G.
Other names: c.1744A>C (LRG_296t1); c.1712+292A>C (NM_001363813.1); short protein forms N582H.
Identifiers: ClinVar variation 239998 (VCV000239998.19), dbSNP rs567511335, ClinGen allele CA8718538.